The following is an entry in ClinVar:

ClinVar aggregate classification (germline): Uncertain significance (1 of 4 stars; one submission).

Submission:

Labcorp Genetics (formerly Invitae), Labcorp
Classification: Uncertain significance. Last evaluated: 2021-05-16. Review status: criteria provided, single submitter. Criteria: Invitae Variant Classification Sherloc (09022015). Collection method: clinical testing. Allele origin: germline.
Comment: This sequence change replaces threonine with alanine at codon 828 of the EYS protein (p.Thr828Ala). The threonine residue is moderately conserved and there is a small physicochemical difference between threonine and alanine. In summary, the available evidence is currently insufficient to determine the role of this variant in disease. Therefore, it has been classified as a Variant of Uncertain Significance. Algorithms developed to predict the effect of missense changes on protein structure and function output the following: SIFT: "Tolerated"; PolyPhen-2: "Benign"; Align-GVGD: "Class C0". The alanine amino acid residue is found in multiple mammalian species, suggesting that this missense change does not adversely affect protein function. These predictions have not been confirmed by published functional studies and their clinical significance is uncertain. This variant has not been reported in the literature in individuals with EYS-related conditions. This variant is not present in population databases (ExAC no frequency).

NM_001142800.2(EYS):c.2482A>G (p.Thr828Ala)

Gene: EYS (EGF-like photoreceptor maintenance factor; minus strand). Cytogenetic location: 6q12.
Variant type: single nucleotide variant.
Coding change: c.2482A>G on transcript NM_001142800.2 (MANE Select); coding-DNA position 2482, A replaced by G.
Protein change: p.Thr828Ala; replaces threonine 828 with alanine.
Molecular consequence: missense variant.
Genome position (GRCh38, 1-based): chr6:64,912,643, T>C on the plus strand (A>G on the coding strand, the complement: EYS is on the minus strand). VCF-style: chr6-64912643-T-C. GRCh37 (hg19) VCF-style: chr6-65622536-T-C.
Other names: c.2482A>G, p.Thr828Ala (NM_001292009.2); short protein forms T828A.
Identifiers: ClinVar variation 1491366 (VCV001491366.8), dbSNP rs1474430377, ClinGen allele CA364786415.
Genomic context (GRCh38, chr6:64,912,643, plus strand): 5'-GGTGGCAAAATTGTCCAGTATAAAGGGGTGGGCACAGACATACAAATTGTCCAGGGATGG[T>C]AGATTCATGACAAAGACCTCCATTCATGCATGGATCAGAGTCGCATTCATTTATTTCTTC-3'
Protein context (NP_001136272.1, residues 818-838): CMNGGLCHES[Thr828Ala]IPGQFVCLCP